The following is an entry in ClinVar:

NM_001323289.2(CDKL5):c.524G>T (p.Arg175Ile)

Gene: CDKL5 (cyclin dependent kinase like 5; plus strand). Cytogenetic location: Xp22.13.
Variant type: single nucleotide variant.
Coding change: c.524G>T on transcript NM_001323289.2 (MANE Select); coding-DNA position 524, G replaced by T.
Protein change: p.Arg175Ile; replaces arginine 175 with isoleucine.
Molecular consequence: missense variant.
Genome position (GRCh38, 1-based): chrX:18,584,323, G>T. VCF-style: chrX-18584323-G-T. GRCh37 (hg19) VCF-style: chrX-18602443-G-T.
Other names: c.524G>T, p.Arg175Ile (NM_001037343.2, NM_003159.3); short protein forms R175I.
Identifiers: ClinVar variation 420841 (VCV000420841.2), dbSNP rs1064794734, ClinGen allele CA16621270.

ClinVar aggregate classification (germline): Likely pathogenic (1 of 4 stars; one submission).

Submission:

GeneDx
Classification: Likely pathogenic. Last evaluated: 2016-03-29. Review status: criteria provided, single submitter. Criteria: GeneDx Variant Classification (06012015). Collection method: clinical testing. Allele origin: germline. Affected: yes.
Comment: The R175I variant in the CDKL5 gene has not been reported previously as a pathogenic variant, nor as a benign variant, to our knowledge. The R175I variant was not observed in approximately 6,500 individuals of European and African American ancestry in the NHLBI Exome Sequencing Project, indicating it is not a common benign variant in these populations. The R175I variant is a non-conservative amino acid substitution, which is likely to impact secondary protein structure as these residues differ in polarity, charge, size and/or other properties. This substitution occurs at a position that is conserved across species. In silico analysis predicts this variant is probably damaging to the protein structure/function. Missense variants in the same residue (R175S) as well as nearby residues (Y171D, W176L, R178W, R178Q, R178P, P180L) have been reported in the Human Gene Mutation Database in association with CDKL5-related disorders (Stenson et al., 2014), supporting the functional importance of this region of the protein. Based on the currently available information, R175I is a strong candidate for a pathogenic variant, however, the possibility it may be a rare benign variant cannot be excluded.